The following is an entry in ClinVar:

ClinVar aggregate classification (germline): Uncertain significance (1 of 4 stars; one submission).

Conditions:
Autosomal dominant nonsyndromic hearing loss 1. Also called: KONIGSMARK SYNDROME; DEAFNESS, AUTOSOMAL DOMINANT 1, WITH OR WITHOUT THROMBOCYTOPENIA. Identifiers: Orphanet 90635, MedGen C1852282, MONDO:0007424, OMIM 124900.
Progressive microcephaly-seizures-cortical blindness-developmental delay syndrome. Also called: Seizures, cortical blindness, and microcephaly syndrome. Identifiers: Orphanet 477814, MedGen C5567650, MONDO:0014714, OMIM 616632.

gnomAD v4.1: 1 of 1,605,344 alleles (0.000062%); highest among the groups gnomAD compares: Non-Finnish European, 0.000085%; no homozygotes.

Submission:

Labcorp Genetics (formerly Invitae), Labcorp
Classification: Uncertain significance for Progressive microcephaly-seizures-cortical blindness-developmental delay syndrome; Autosomal dominant nonsyndromic hearing loss 1. Last evaluated: 2024-05-13. Review status: criteria provided, single submitter. Criteria: Invitae Variant Classification Sherloc (09022015). Collection method: clinical testing. Allele origin: germline.
Comment: This sequence change replaces glycine, which is neutral and non-polar, with alanine, which is neutral and non-polar, at codon 725 of the DIAPH1 protein (p.Gly725Ala). This variant is not present in population databases (gnomAD no frequency). This variant has not been reported in the literature in individuals affected with DIAPH1-related conditions. Experimental studies and prediction algorithms are not available or were not evaluated, and the functional significance of this variant is currently unknown. In summary, the available evidence is currently insufficient to determine the role of this variant in disease. Therefore, it has been classified as a Variant of Uncertain Significance.

NM_005219.5(DIAPH1):c.2174G>C (p.Gly725Ala)

Gene: DIAPH1 (diaphanous related formin 1; minus strand). Cytogenetic location: 5q31.3.
Variant type: single nucleotide variant.
Coding change: c.2174G>C on transcript NM_005219.5 (MANE Select); coding-DNA position 2174, G replaced by C.
Protein change: p.Gly725Ala; replaces glycine 725 with alanine.
Molecular consequence: missense variant.
Genome position (GRCh38, 1-based): chr5:141,573,676, C>G on the plus strand (G>C on the coding strand, the complement: DIAPH1 is on the minus strand). VCF-style: chr5-141573676-C-G. GRCh37 (hg19) VCF-style: chr5-140953243-C-G.
Other names: c.2147G>C, p.Gly716Ala (NM_001079812.3); c.2174G>C, p.Gly725Ala (NM_001314007.2); short protein forms G716A, G725A.
Identifiers: ClinVar variation 3750999 (VCV003750999.2).